The following is an entry in ClinVar:

ClinVar aggregate classification (germline): Benign/Likely benign. Review status: criteria provided, multiple submitters, no conflicts (2 of 4 stars). 6 submissions from 6 submitters: Benign (2); Likely benign (3). 1 of the submissions does not count toward it. Last evaluated 2026-02-02.

Conditions:
RNF168-related disorder. Also called: RNF168-related condition.
RIDDLE syndrome. Identifiers: Orphanet 420741, MedGen C2677792, MONDO:0012764, OMIM 611943.

Allele frequency attached by ClinVar (database versions not stated): TOPMed 0.00167; ESP Exome Variant Server 0.00192; gnomAD 0.00235; gnomAD exomes 0.00253 and 0.00298; ExAC 0.00296; 1000 Genomes Project 0.00060; 1000 Genomes Project 30x 0.00094.

Submissions (6):

Labcorp Genetics (formerly Invitae), Labcorp
Classification: Likely benign. Last evaluated: 2026-02-02. Review status: criteria provided, single submitter. Criteria: Invitae Variant Classification Sherloc (09022015). Collection method: clinical testing. Allele origin: germline.

Blueprint Genetics
Classification: Likely benign. Last evaluated: 2024-11-13. Review status: criteria provided, single submitter. Criteria: ACMG Guidelines, 2015. Collection method: clinical testing. Allele origin: germline.

KCCC/NGS Laboratory, Kuwait Cancer Control Center
Classification: Benign for RIDDLE syndrome. Last evaluated: 2023-07-07. Review status: criteria provided, single submitter. Criteria: ACMG Guidelines, 2015. Collection method: clinical testing. Allele origin: germline. Affected: yes.

CeGaT Center for Human Genetics Tuebingen
Classification: Likely benign. Last evaluated: 2023-02-01. Review status: criteria provided, single submitter. Criteria: CeGaT Center For Human Genetics Tuebingen Variant Classification Criteria Version 2. Collection method: clinical testing. Allele origin: germline. Affected: yes. Observed: 5 variant alleles.
Comment: RNF168: BP4, BS2

Genomic Diagnostic Laboratory, Division of Genomic Diagnostics, Children's Hospital of Philadelphia
Classification: Benign. Last evaluated: 2015-08-03. Review status: criteria provided, single submitter. Criteria: DGD Variant Analysis Guidelines. Collection method: clinical testing. Allele origin: unknown.

PreventionGenetics, part of Exact Sciences
Classification: Likely benign for RNF168-related condition. Last evaluated: 2022-05-25. Review status: no assertion criteria provided. Collection method: clinical testing. Allele origin: germline. Not counted in ClinVar's aggregate classification.
Comment: This variant is classified as likely benign based on ACMG/AMP sequence variant interpretation guidelines (Richards et al. 2015 PMID: 25741868, with internal and published modifications).

NM_152617.4(RNF168):c.508G>A (p.Glu170Lys)

Gene: RNF168 (ring finger protein 168; minus strand). Cytogenetic location: 3q29.
Variant type: single nucleotide variant.
Coding change: c.508G>A on transcript NM_152617.4 (MANE Select); coding-DNA position 508, G replaced by A.
Protein change: p.Glu170Lys; replaces glutamic acid 170 with lysine.
Molecular consequence: missense variant.
Genome position (GRCh38, 1-based): chr3:196,487,449, C>T on the plus strand (G>A on the coding strand, the complement: RNF168 is on the minus strand). VCF-style: chr3-196487449-C-T. GRCh37 (hg19) VCF-style: chr3-196214320-C-T.
Other names: c.508G>A (LRG_185t1); short protein forms E170K.
Identifiers: ClinVar variation 218846 (VCV000218846.38), dbSNP rs114025031, ClinGen allele CA249059.